The following is an entry in ClinVar:

ClinVar aggregate classification (germline): Uncertain significance. Review status: criteria provided, multiple submitters, no conflicts (2 of 4 stars). 3 submissions from 3 submitters: Uncertain significance (3). Last evaluated 2021-08-30.

Conditions:
Hypogonadotropic hypogonadism 18 with or without anosmia (HH18). Identifiers: Orphanet 478, MedGen C3808975, MONDO:0014103, OMIM 615267.

Allele frequency attached by ClinVar (database versions not stated): TOPMed 0.00003; gnomAD 0.00004; ExAC 0.00008; gnomAD exomes 0.00008 and 0.00009; ESP Exome Variant Server 0.00015.
gnomAD v4.1: 139 of 1,613,738 alleles (0.0086%); highest among the groups gnomAD compares: South Asian, 0.048%; no homozygotes.

Submissions (3):

Ambry Genetics
Classification: Uncertain significance. Last evaluated: 2021-08-30. Review status: criteria provided, single submitter. Criteria: Ambry Variant Classification Scheme 2023. Collection method: clinical testing. Allele origin: germline.

Department of Pathology and Laboratory Medicine, Sinai Health System
Classification: Uncertain significance for Hypogonadotropic hypogonadism 18 with or without anosmia. Last evaluated: 2020-07-17. Review status: criteria provided, single submitter. Criteria: ACMG Guidelines, 2015. Collection method: research. Allele origin: germline.

GeneDx
Classification: Uncertain significance. Last evaluated: 2019-04-24. Review status: criteria provided, single submitter. Criteria: GeneDx Variant Classification Process June 2021. Collection method: clinical testing. Allele origin: germline. Affected: yes.
Comment: In silico analysis, which includes protein predictors and evolutionary conservation, supports that this variant does not alter protein structure/function; Has not been previously published as pathogenic or benign to our knowledge

NM_017563.5(IL17RD):c.715G>A (p.Glu239Lys)

Gene: IL17RD (interleukin 17 receptor D; minus strand). Cytogenetic location: 3p14.3.
Variant type: single nucleotide variant.
Coding change: c.715G>A on transcript NM_017563.5 (MANE Select); coding-DNA position 715, G replaced by A.
Protein change: p.Glu239Lys; replaces glutamic acid 239 with lysine.
Molecular consequence: missense variant.
Genome position (GRCh38, 1-based): chr3:57,105,889, C>T on the plus strand (G>A on the coding strand, the complement: IL17RD is on the minus strand). VCF-style: chr3-57105889-C-T. GRCh37 (hg19) VCF-style: chr3-57139917-C-T.
Other names: c.283G>A, p.Glu95Lys (NM_001318864.2); short protein forms E239K, E95K.
Identifiers: ClinVar variation 1305375 (VCV001305375.5), dbSNP rs200773591, ClinGen allele CA2462962.
Genomic context (GRCh38, chr3:57,105,889, plus strand): 5'-GTTCCTTTATATACACCCAGCAGCTCACCTGCTTACAGGTCTTTCGCTTGAAAGGTCCTT[C>T]GTGCTTGAGCTTGTAGTGAAGATAGAAGAAACGGAAGCCGAAGTTGTGCGGTGCATGGTC-3'
Protein context (NP_060033.3, residues 229-249): FFYLHYKLKH[Glu239Lys]GPFKRKTCKQ